The following is an entry in ClinVar:

NM_001261826.3(AP3D1):c.1101+4C>T

Gene: AP3D1 (adaptor related protein complex 3 subunit delta 1; minus strand). Cytogenetic location: 19p13.3.
Variant type: single nucleotide variant.
Coding change: c.1101+4C>T on transcript NM_001261826.3 (MANE Select); 4 bases into the intron after coding-DNA position 1101, C replaced by T.
Molecular consequence: intron variant.
Genome position (GRCh38, 1-based): chr19:2,121,730, G>A on the plus strand (C>T on the coding strand, the complement: AP3D1 is on the minus strand). VCF-style: chr19-2121730-G-A. GRCh37 (hg19) VCF-style: chr19-2121729-G-A.
Other names: c.1101+4C>T (NM_003938.8, NM_001374799.1).
Identifiers: ClinVar variation 2901018 (VCV002901018.3), dbSNP rs367696108, ClinGen allele CA9059436.
Genomic context (GRCh38, chr19:2,121,730, plus strand): 5'-TGACACTTAATGTCCCTTAGAGAACTAAGGCCAGGCGGGCGGGCGGCGGACAGAGGGCAC[G>A]CACCATCCCATAGAGCAGGTCCAGGGCCCGCAGCCGGATGGACTCGTCCTTGTCGTCCAG-3'

ClinVar aggregate classification (germline): Uncertain significance (1 of 4 stars; one submission).

Allele frequency attached by ClinVar (database versions not stated): ExAC 0.00003; ESP Exome Variant Server 0.00008; gnomAD 0.00008; TOPMed 0.00009.
gnomAD v4.1: 59 of 1,589,538 alleles (0.0037%); highest among the groups gnomAD compares: African/African-American, 0.035%; no homozygotes.

Submission:

Labcorp Genetics (formerly Invitae), Labcorp
Classification: Uncertain significance. Last evaluated: 2024-12-10. Review status: criteria provided, single submitter. Criteria: Invitae Variant Classification Sherloc (09022015). Collection method: clinical testing. Allele origin: germline.
Comment: This sequence change falls in intron 12 of the AP3D1 gene. It does not directly change the encoded amino acid sequence of the AP3D1 protein. It affects a nucleotide within the consensus splice site. This variant is present in population databases (rs367696108, gnomAD 0.03%). This variant has not been reported in the literature in individuals affected with AP3D1-related conditions. ClinVar contains an entry for this variant (Variation ID: 2901018). Variants that disrupt the consensus splice site are a relatively common cause of aberrant splicing (PMID: 17576681, 9536098). Algorithms developed to predict the effect of sequence changes on RNA splicing suggest that this variant is not likely to affect RNA splicing. In summary, the available evidence is currently insufficient to determine the role of this variant in disease. Therefore, it has been classified as a Variant of Uncertain Significance.

Literature cited by the submitters: PubMed 17576681; PubMed 9536098.